The following is an entry in ClinVar:

NM_017739.4(POMGNT1):c.780G>C (p.Glu260Asp)

Genes: POMGNT1 (protein O-linked mannose N-acetylglucosaminyltransferase 1 (beta 1,2-); minus strand), TSPAN1 (tetraspanin 1; plus strand). Cytogenetic location: 1p34.1.
Variant type: single nucleotide variant.
Coding change: c.780G>C on transcript NM_017739.4 (MANE Select); coding-DNA position 780, G replaced by C.
Protein change: p.Glu260Asp; replaces glutamic acid 260 with aspartic acid.
Molecular consequence: missense variant.
Genome position (GRCh38, 1-based): chr1:46,194,373, C>G on the plus strand (G>C on the coding strand, the complement: POMGNT1 is on the minus strand). VCF-style: chr1-46194373-C-G. GRCh37 (hg19) VCF-style: chr1-46660045-C-G.
Other names: c.780G>C, p.Glu260Asp (NM_001243766.2, NM_001410783.1); c.714G>C, p.Glu238Asp (NM_001290129.3); c.351G>C, p.Glu117Asp (NM_001290130.2); short protein forms E260D, E117D, E238D.
Identifiers: ClinVar variation 2156306 (VCV002156306.2), dbSNP rs774930279, ClinGen allele CA833608.

ClinVar aggregate classification (germline): Uncertain significance. Review status: criteria provided, multiple submitters, no conflicts (2 of 4 stars). 2 submissions from 2 submitters: Uncertain significance (2). Last evaluated 2024-06-06.

Conditions:
Autosomal recessive limb-girdle muscular dystrophy type 2O. Also called: Limb-Girdle Muscular Dystrophy Type 3C; MUSCULAR DYSTROPHY-DYSTROGLYCANOPATHY (LIMB-GIRDLE), TYPE C, 3; MUSCULAR DYSTROPHY-DYSTROGLYCANOPATHY, LIMB-GIRDLE, POMGNT1-RELATED. Identifiers: Orphanet 206564, MedGen C3150417, MONDO:0013161, OMIM 613157.
Muscular dystrophy-dystroglycanopathy (congenital with impaired intellectual development), type B, 3. Also called: Muscular dystrophy-dystroglycanopathy (congenital with intellectual disability), type B3; MUSCULAR DYSTROPHY, CONGENITAL, POMGNT1-RELATED. Identifiers: MedGen C3150412, MONDO:0013155, OMIM 613151.

Allele frequency attached by ClinVar (database versions not stated): ExAC 0.00001; gnomAD 0.00001; gnomAD exomes 0.00001; TOPMed 0.00001.
gnomAD v4.1: 21 of 1,614,122 alleles (0.0013%); highest among the groups gnomAD compares: South Asian, 0.0033%; no homozygotes.

Submissions (2):

Blueprint Genetics
Classification: Uncertain significance. Last evaluated: 2024-06-06. Review status: criteria provided, single submitter. Criteria: ACMG Guidelines, 2015. Collection method: clinical testing. Allele origin: germline.

Labcorp Genetics (formerly Invitae), Labcorp
Classification: Uncertain significance for Autosomal recessive limb-girdle muscular dystrophy type 2O; Muscular dystrophy-dystroglycanopathy (congenital with impaired intellectual development), type B, 3. Last evaluated: 2022-08-13. Review status: criteria provided, single submitter. Criteria: Invitae Variant Classification Sherloc (09022015). Collection method: clinical testing. Allele origin: germline.
Comment: This sequence change replaces glutamic acid, which is acidic and polar, with aspartic acid, which is acidic and polar, at codon 260 of the POMGNT1 protein (p.Glu260Asp). This variant is present in population databases (rs774930279, gnomAD 0.003%). This variant has not been reported in the literature in individuals affected with POMGNT1-related conditions. Advanced modeling of protein sequence and biophysical properties (such as structural, functional, and spatial information, amino acid conservation, physicochemical variation, residue mobility, and thermodynamic stability) performed at Invitae indicates that this missense variant is not expected to disrupt POMGNT1 protein function. In summary, the available evidence is currently insufficient to determine the role of this variant in disease. Therefore, it has been classified as a Variant of Uncertain Significance.